The following is an entry in ClinVar:

NM_000233.4(LHCGR):c.1723A>C (p.Ile575Leu)

Genes: LHCGR (luteinizing hormone/choriogonadotropin receptor; minus strand), STON1-GTF2A1L (STON1-GTF2A1L readthrough; plus strand). Cytogenetic location: 2p16.3.
Variant type: single nucleotide variant.
Coding change: c.1723A>C on transcript NM_000233.4 (MANE Select); coding-DNA position 1723, A replaced by C.
Protein change: p.Ile575Leu; replaces isoleucine 575 with leucine.
Molecular consequence: missense variant. On other transcripts: intron variant (1).
Genome position (GRCh38, 1-based): chr2:48,688,074, T>G on the plus strand (A>C on the coding strand, the complement: LHCGR is on the minus strand). VCF-style: chr2-48688074-T-G. GRCh37 (hg19) VCF-style: chr2-48915213-T-G.
Other names: c.3441+16394T>G (NM_001198593.2); short protein forms I575L.
Identifiers: ClinVar variation 804990 (VCV000804990.2), dbSNP rs767343825, ClinGen allele CA346744972.

ClinVar aggregate classification (germline): Pathogenic/Likely pathogenic. Review status: criteria provided, multiple submitters, no conflicts (2 of 4 stars). 2 submissions from 2 submitters: Pathogenic (1); Likely pathogenic (1). Last evaluated 2018-12-18.

Conditions:
Leydig cell agenesis. Also called: LEYDIG CELL HYPOPLASIA WITH MALE PSEUDOHERMAPHRODITISM; LEYDIG CELL HYPOPLASIA, COMPLETE; HYPERGONADOTROPIC HYPOGONADISM, MALE, DUE TO LHCGR DEFECT; Leydig cell hypoplasia, type 1. Identifiers: MedGen C0266432, MONDO:0009384, OMIM 238320.
Gonadotropin-independent familial sexual precocity. Also called: TESTOTOXICOSIS, FAMILIAL; Familial male-limited precocious puberty. Identifiers: Orphanet 3000, MedGen C0342549, MONDO:0008303, OMIM 176410.

Submissions (2):

Athena Diagnostics
Classification: Pathogenic. Last evaluated: 2018-12-18. Review status: criteria provided, single submitter. Criteria: Athena Diagnostics Criteria. Collection method: clinical testing. Allele origin: germline.
Comment: Not found in the total gnomAD dataset, and the data is high quality (0/282758 chr). Found in at least one symptomatic patient. Predicted to have a damaging effect on the protein. Damaging to protein function(s) relevant to disease mechanism.

Juno Genomics, Hangzhou Juno Genomics, Inc
Classification: Likely pathogenic for Gonadotropin-independent familial sexual precocity; Leydig cell agenesis. Review status: criteria provided, single submitter. Criteria: ACMG Guidelines, 2015. Collection method: clinical testing. Allele origin: germline. Affected: yes.
Comment: Absent from controls (or at extremely low frequency if recessive) in Genome Aggregation Database.;Well-established in vitro or in vivo functional studies supportive of a damaging effect on the gene or gene product.;Assumed de novo, but without confirmation of paternity and maternity.;The prevalence of the variant in affected individuals is significantly increased compared to the prevalence in controls.

Literature cited by the submitters: PubMed 10084607 (cited by Athena Diagnostics); PubMed 8812739 (cited by Athena Diagnostics).